The following is an entry in ClinVar:

NM_007294.4(BRCA1):c.3126C>A (p.Ser1042Arg)

Gene: BRCA1 (BRCA1 DNA repair associated; minus strand). Cytogenetic location: 17q21.31.
Variant type: single nucleotide variant.
Coding change: c.3126C>A on transcript NM_007294.4 (MANE Select); coding-DNA position 3126, C replaced by A.
Protein change: p.Ser1042Arg; replaces serine 1042 with arginine.
Molecular consequence: missense variant. On other transcripts: intron variant (137).
Genome position (GRCh38, 1-based): chr17:43,092,405, G>T on the plus strand (C>A on the coding strand, the complement: BRCA1 is on the minus strand). VCF-style: chr17-43092405-G-T. GRCh37 (hg19) VCF-style: chr17-41244422-G-T.
Other names: c.2985C>A, p.Ser995Arg (NM_001407852.1, NM_001407692.1, NM_001407694.1 and 29 more transcripts); c.2913C>A, p.Ser971Arg (NM_001407853.1, NM_001407894.1, NM_001407895.1 and 9 more transcripts); c.3126C>A, p.Ser1042Arg (NM_001407854.1, NM_001407858.1, NM_001407859.1 and 30 more transcripts); c.3123C>A, p.Ser1041Arg (NM_001407860.1, NM_001407861.1, NM_001407627.1 and 22 more transcripts); c.2925C>A, p.Ser975Arg (NM_001407862.1); c.3003C>A, p.Ser1001Arg (NM_001407863.1, NM_001407648.1, NM_001407664.1 and 19 more transcripts); c.2916C>A, p.Ser972Arg (NM_001407881.1, NM_001407882.1, NM_001407884.1 and 13 more transcripts); c.2922C>A, p.Ser974Arg (NM_001407874.1, NM_001407875.1); and 41 more; short protein forms S1042R, S746R, S954R, S972R, S974R, S1016R, S1041R, S971R.
Identifiers: ClinVar variation 1727896 (VCV001727896.4), dbSNP rs878854943, ClinGen allele CA10595733.

ClinVar aggregate classification (germline): Conflicting classifications of pathogenicity. Review status: criteria provided, conflicting classifications (1 of 4 stars). 2 submissions from 2 submitters: Uncertain significance (1); Likely benign (1). Last evaluated 2023-03-23.

Conditions:
Hereditary cancer-predisposing syndrome. Also called: Tumor predisposition; Neoplastic Syndromes, Hereditary; Hereditary Cancer Syndrome; Hereditary neoplastic syndrome. Identifiers: Orphanet 140162, MedGen C0027672, MeSH D009386, MONDO:0015356.

Submissions (2):

University of Washington Department of Laboratory Medicine, University of Washington
Classification: Likely benign for Hereditary cancer-predisposing syndrome. Last evaluated: 2023-03-23. Review status: criteria provided, single submitter. Criteria: Dines et al. (Genet Med. 2020). Collection method: curation. Allele origin: germline.
Comment: Missense variant in a coldspot region where missense variants are very unlikely to be pathogenic (PMID:31911673).

BRCA1 coldspot (exon 11 using historical exon numbering). Reclassification based on statistical prior probability

Ambry Genetics
Classification: Uncertain significance for Hereditary cancer-predisposing syndrome. Last evaluated: 2022-05-17. Review status: criteria provided, single submitter. Criteria: Ambry Variant Classification Scheme 2023. Collection method: clinical testing. Allele origin: germline.
Comment: The p.S1042R variant (also known as c.3126C>A), located in coding exon 9 of the BRCA1 gene, results from a C to A substitution at nucleotide position 3126. The serine at codon 1042 is replaced by arginine, an amino acid with dissimilar properties. This amino acid position is conserved. In addition, the in silico prediction for this alteration is inconclusive. Since supporting evidence is limited at this time, the clinical significance of this alteration remains unclear.